The following is an entry in ClinVar:

ClinVar aggregate classification (germline): Uncertain significance (1 of 4 stars; one submission).

Conditions:
Early Myoclonic Encephalopathy. Identifiers: MedGen C0270855.

Submission:

Labcorp Genetics (formerly Invitae), Labcorp
Classification: Uncertain significance for Early Myoclonic Encephalopathy. Last evaluated: 2024-02-02. Review status: criteria provided, single submitter. Criteria: Invitae Variant Classification Sherloc (09022015). Collection method: clinical testing. Allele origin: germline.
Comment: This sequence change replaces glutamic acid, which is acidic and polar, with glycine, which is neutral and non-polar, at codon 2033 of the JMJD1C protein (p.Glu2033Gly). This variant is not present in population databases (gnomAD no frequency). This variant has not been reported in the literature in individuals affected with JMJD1C-related conditions. Advanced modeling of protein sequence and biophysical properties (such as structural, functional, and spatial information, amino acid conservation, physicochemical variation, residue mobility, and thermodynamic stability) performed at Invitae indicates that this missense variant is not expected to disrupt JMJD1C protein function with a negative predictive value of 80%. In summary, the available evidence is currently insufficient to determine the role of this variant in disease. Therefore, it has been classified as a Variant of Uncertain Significance.

NM_032776.3(JMJD1C):c.6098A>G (p.Glu2033Gly)

Gene: JMJD1C (jumonji domain containing 1C; minus strand). Cytogenetic location: 10q21.3.
Variant type: single nucleotide variant.
Coding change: c.6098A>G on transcript NM_032776.3 (MANE Select); coding-DNA position 6098, A replaced by G.
Protein change: p.Glu2033Gly; replaces glutamic acid 2033 with glycine.
Molecular consequence: missense variant. On other transcripts: non-coding transcript variant (1).
Genome position (GRCh38, 1-based): chr10:63,191,087, T>C on the plus strand (A>G on the coding strand, the complement: JMJD1C is on the minus strand). VCF-style: chr10-63191087-T-C. GRCh37 (hg19) VCF-style: chr10-64950847-T-C.
Other names: c.5552A>G, p.Glu1851Gly (NM_001282948.2, NM_001318154.2); c.5234A>G, p.Glu1745Gly (NM_001318153.2); c.5984A>G, p.Glu1995Gly (NM_001322252.2); c.5441A>G, p.Glu1814Gly (NM_001322254.2, NM_001322258.2); short protein forms E1995G, E1745G, E2033G, E1814G, E1851G.
Identifiers: ClinVar variation 3684938 (VCV003684938.2).